The following is an entry in ClinVar:

NM_201400.4(EEF2KMT):c.503C>T (p.Ala168Val)

Gene: EEF2KMT (eukaryotic elongation factor 2 lysine methyltransferase; minus strand). Cytogenetic location: 16p13.3.
Variant type: single nucleotide variant.
Coding change: c.503C>T on transcript NM_201400.4 (MANE Select); coding-DNA position 503, C replaced by T.
Protein change: p.Ala168Val; replaces alanine 168 with valine.
Molecular consequence: missense variant.
Genome position (GRCh38, 1-based): chr16:5,090,323, G>A on the plus strand (C>T on the coding strand, the complement: EEF2KMT is on the minus strand). VCF-style: chr16-5090323-G-A. GRCh37 (hg19) VCF-style: chr16-5140324-G-A.
Other names: c.320C>T, p.Ala107Val (NM_001289029.2); c.401C>T, p.Ala134Val (NM_201598.4); short protein forms A107V, A134V, A168V.
Identifiers: ClinVar variation 2646175 (VCV002646175.24), dbSNP rs140512475, ClinGen allele CA7890646.

ClinVar aggregate classification (germline): Likely benign (1 of 4 stars; one submission).

Allele frequency attached by ClinVar (database versions not stated): 1000 Genomes Project 0.00140; 1000 Genomes Project 30x 0.00156; ESP Exome Variant Server 0.00321; ExAC 0.00332; TOPMed 0.00343; gnomAD 0.00344; gnomAD exomes 0.00522.

Submission:

CeGaT Center for Human Genetics Tuebingen
Classification: Likely benign. Last evaluated: 2023-04-01. Review status: criteria provided, single submitter. Criteria: CeGaT Center For Human Genetics Tuebingen Variant Classification Criteria Version 2. Collection method: clinical testing. Allele origin: germline. Affected: yes. Observed: 1 variant allele.
Comment: EEF2KMT: BP4, BS2